The following is an entry in ClinVar:

NM_138413.4(HOGA1):c.668C>T (p.Ser223Leu)

Gene: HOGA1 (4-hydroxy-2-oxoglutarate aldolase 1; plus strand). Cytogenetic location: 10q24.2.
Variant type: single nucleotide variant.
Coding change: c.668C>T on transcript NM_138413.4 (MANE Select); coding-DNA position 668, C replaced by T.
Protein change: p.Ser223Leu; replaces serine 223 with leucine.
Molecular consequence: missense variant. On other transcripts: intron variant (1).
Genome position (GRCh38, 1-based): chr10:97,600,131, C>T. VCF-style: chr10-97600131-C-T. GRCh37 (hg19) VCF-style: chr10-99359888-C-T.
Other names: c.212-1726C>T (NM_001134670.2); c.668C>T (NM_138413.3); short protein forms S223L.
Identifiers: ClinVar variation 2142542 (VCV002142542.2), dbSNP rs142766113, ClinGen allele CA5634193.

ClinVar aggregate classification (germline): Uncertain significance. Review status: criteria provided, multiple submitters, no conflicts (2 of 4 stars). 2 submissions from 2 submitters: Uncertain significance (2). Last evaluated 2022-02-09.

Conditions:
Inborn genetic diseases. Identifiers: MedGen C0950123, MeSH D030342.

Allele frequency attached by ClinVar (database versions not stated): gnomAD exomes 0.00004; TOPMed 0.00004; gnomAD 0.00005; ExAC 0.00011; 1000 Genomes Project 0.00040; 1000 Genomes Project 30x 0.00047.
gnomAD v4.1: 69 of 1,614,160 alleles (0.0043%); highest among the groups gnomAD compares: African/African-American, 0.0067%; no homozygotes.

Submissions (2):

Labcorp Genetics (formerly Invitae), Labcorp
Classification: Uncertain significance. Last evaluated: 2022-02-09. Review status: criteria provided, single submitter. Criteria: Invitae Variant Classification Sherloc (09022015). Collection method: clinical testing. Allele origin: germline.
Comment: This sequence change replaces serine, which is neutral and polar, with leucine, which is neutral and non-polar, at codon 223 of the HOGA1 protein (p.Ser223Leu). This variant is present in population databases (rs142766113, gnomAD 0.01%). This variant has not been reported in the literature in individuals affected with HOGA1-related conditions. Advanced modeling of protein sequence and biophysical properties (such as structural, functional, and spatial information, amino acid conservation, physicochemical variation, residue mobility, and thermodynamic stability) performed at Invitae indicates that this missense variant is expected to disrupt HOGA1 protein function. In summary, the available evidence is currently insufficient to determine the role of this variant in disease. Therefore, it has been classified as a Variant of Uncertain Significance.

Ambry Genetics
Classification: Uncertain significance for Inborn genetic diseases. Last evaluated: 2021-11-12. Review status: criteria provided, single submitter. Criteria: Ambry Variant Classification Scheme 2023. Collection method: clinical testing. Allele origin: germline.